The following is an entry in ClinVar:

ClinVar aggregate classification (germline): Uncertain significance (1 of 4 stars; one submission).

Submission:

Labcorp Genetics (formerly Invitae), Labcorp
Classification: Uncertain significance. Last evaluated: 2025-05-27. Review status: criteria provided, single submitter. Criteria: Invitae Variant Classification Sherloc (09022015). Collection method: clinical testing. Allele origin: germline.
Comment: This sequence change replaces methionine, which is neutral and non-polar, with threonine, which is neutral and polar, at codon 557 of the MTOR protein (p.Met557Thr). This variant is not present in population databases (gnomAD no frequency). This variant has not been reported in the literature in individuals affected with MTOR-related conditions. Invitae Evidence Modeling of protein sequence and biophysical properties (such as structural, functional, and spatial information, amino acid conservation, physicochemical variation, residue mobility, and thermodynamic stability) indicates that this missense variant is not expected to disrupt MTOR protein function with a negative predictive value of 95%. In summary, the available evidence is currently insufficient to determine the role of this variant in disease. Therefore, it has been classified as a Variant of Uncertain Significance.

NM_004958.4(MTOR):c.1670T>C (p.Met557Thr)

Gene: MTOR (mechanistic target of rapamycin kinase; minus strand). Cytogenetic location: 1p36.22.
Variant type: single nucleotide variant.
Coding change: c.1670T>C on transcript NM_004958.4 (MANE Select); coding-DNA position 1670, T replaced by C.
Protein change: p.Met557Thr; replaces methionine 557 with threonine.
Molecular consequence: missense variant.
Genome position (GRCh38, 1-based): chr1:11,240,419, A>G on the plus strand (T>C on the coding strand, the complement: MTOR is on the minus strand). VCF-style: chr1-11240419-A-G. GRCh37 (hg19) VCF-style: chr1-11300476-A-G.
Other names: c.1670T>C, p.Met557Thr (NM_001386500.1); c.422T>C, p.Met141Thr (NM_001386501.1); short protein forms M141T, M557T.
Identifiers: ClinVar variation 4695553 (VCV004695553.1).